The following is an entry in ClinVar:

NM_004415.4(DSP):c.2023A>G (p.Ile675Val)

Gene: DSP (desmoplakin; plus strand). Cytogenetic location: 6p24.3.
Variant type: single nucleotide variant.
Coding change: c.2023A>G on transcript NM_004415.4 (MANE Select); coding-DNA position 2023, A replaced by G.
Protein change: p.Ile675Val; replaces isoleucine 675 with valine.
Molecular consequence: missense variant.
Genome position (GRCh38, 1-based): chr6:7,571,961, A>G. VCF-style: chr6-7571961-A-G. GRCh37 (hg19) VCF-style: chr6-7572194-A-G.
Other names: c.2023A>G (LRG_423t1); c.2023A>G, p.Ile675Val (NM_001008844.3, NM_001319034.2); short protein forms I675V.
Identifiers: ClinVar variation 379708 (VCV000379708.12), dbSNP rs142619902, ClinGen allele CA031307.
Genomic context (GRCh38, chr6:7,571,961, plus strand): 5'-ATTGAAACCAACAGAGAAAATGACAAGCAAGAAACATGGATGCTGATGGAGCTGCAGAAG[A>G]TTCGCAGGCAGATAGAGCACTGCGAGGGCAGGATGACTCTCAAAAACCTCCCTCTAGCAG-3'
Protein context (NP_004406.2, residues 665-685): ETWMLMELQK[Ile675Val]RRQIEHCEGR

ClinVar aggregate classification (germline): Conflicting classifications of pathogenicity. Review status: criteria provided, conflicting classifications (1 of 4 stars). 5 submissions from 5 submitters: Uncertain significance (3); Likely benign (2). Last evaluated 2025-12-08.

Conditions:
Cardiovascular phenotype. Identifiers: MedGen CN230736.
Arrhythmogenic right ventricular dysplasia 8 (ARVD8). Also called: Arrhythmogenic Right Ventricular Dysplasia/Cardiomyopathy 8; ARRHYTHMOGENIC RIGHT VENTRICULAR CARDIOMYOPATHY 8; ARRHYTHMOGENIC RIGHT VENTRICULAR DYSPLASIA, FAMILIAL, 8. Identifiers: MedGen C1843896, MONDO:0011831, OMIM 607450.
Arrhythmogenic cardiomyopathy with wooly hair and keratoderma. Also called: Carvajal syndrome; Dilated cardiomyopathy with woolly hair and keratoderma; Arrhythmogenic cardiomyopathy with woolly hair and keratoderma; PALMOPLANTAR KERATODERMA WITH LEFT VENTRICULAR CARDIOMYOPATHY AND WOOLLY HAIR. Identifiers: Orphanet 65282, MedGen C1854063, MONDO:0011581, OMIM 605676.
Cardiomyopathy (CMYO). Also called: Cardiomyopathies. Identifiers: Orphanet 167848, MedGen C0878544, MONDO:0004994, HP:0001638. Inheritance: Various modes of inheritance.

Allele frequency attached by ClinVar (database versions not stated): gnomAD 0.00001; TOPMed 0.00001; ESP Exome Variant Server 0.00008.
gnomAD v4.1: 64 of 1,614,092 alleles (0.004%); highest among the groups gnomAD compares: Non-Finnish European, 0.0051%; no homozygotes.

Submissions (5):

Color Diagnostics, LLC DBA Color Health
Classification: Uncertain significance for Cardiomyopathy. Last evaluated: 2025-12-08. Review status: criteria provided, single submitter. Criteria: ACMG Guidelines, 2015. Collection method: clinical testing. Allele origin: germline.
Comment: This missense variant replaces isoleucine with valine at codon 675 of the DSP protein. Computational prediction suggests that this variant may not impact protein structure and function. To our knowledge, functional studies have not been reported for this variant. This variant has not been reported in individuals affected with DSP-related disorders in the literature. This variant has been identified in 5/251238 chromosomes in the general population by the Genome Aggregation Database (gnomAD). The available evidence is insufficient to determine the role of this variant in disease conclusively. Therefore, this variant is classified as a Variant of Uncertain Significance.

Labcorp Genetics (formerly Invitae), Labcorp
Classification: Likely benign for Arrhythmogenic cardiomyopathy with wooly hair and keratoderma; Arrhythmogenic right ventricular dysplasia 8. Last evaluated: 2025-01-14. Review status: criteria provided, single submitter. Criteria: Invitae Variant Classification Sherloc (09022015). Collection method: clinical testing. Allele origin: germline.

Ambry Genetics
Classification: Uncertain significance for Cardiovascular phenotype. Last evaluated: 2024-12-28. Review status: criteria provided, single submitter. Criteria: Ambry Variant Classification Scheme 2023. Collection method: clinical testing. Allele origin: germline.
Comment: The p.I675V variant (also known as c.2023A>G), located in coding exon 15 of the DSP gene, results from an A to G substitution at nucleotide position 2023. The isoleucine at codon 675 is replaced by valine, an amino acid with highly similar properties. This amino acid position is conserved. In addition, this alteration is predicted to be tolerated by in silico analysis. Based on the available evidence, the clinical significance of this variant remains unclear.

All of Us Research Program, National Institutes of Health
Classification: Uncertain significance for Arrhythmogenic cardiomyopathy with wooly hair and keratoderma. Last evaluated: 2024-01-11. Review status: criteria provided, single submitter. Criteria: ACMG Guidelines, 2015. Collection method: clinical testing. Allele origin: germline. Inheritance: Autosomal dominant inheritance. Observed: 2 variant alleles, 2 heterozygotes.
Comment: This missense variant replaces isoleucine with valine at codon 675 of the DSP protein. Computational prediction suggests that this variant may not impact protein structure and function (internally defined REVEL score threshold <= 0.5, PMID: 27666373). To our knowledge, functional studies have not been reported for this variant. This variant has not been reported in individuals affected with DSP-related disorders in the literature. This variant has been identified in 5/251238 chromosomes in the general population by the Genome Aggregation Database (gnomAD). The available evidence is insufficient to determine the role of this variant in disease conclusively. Therefore, this variant is classified as a Variant of Uncertain Significance.

This study involves interpretation of variants in research participants for the purpose of population health screening. Participant phenotype was not available at the time of variant classification. Additional details can be found in publication PMID: 35346344, PMCID: PMC8962531

GeneDx
Classification: Likely benign. Last evaluated: 2015-05-19. Review status: criteria provided, single submitter. Criteria: GeneDx Variant Classification (06012015). Collection method: clinical testing. Allele origin: germline. Affected: yes.
Comment: This variant is considered likely benign or benign based on one or more of the following criteria: it is a conservative change, it occurs at a poorly conserved position in the protein, it is predicted to be benign by multiple in silico algorithms, and/or has population frequency not consistent with disease.